The following is an entry in ClinVar:

NM_015122.3(FCHO1):c.1745G>C (p.Arg582Pro)

Gene: FCHO1 (FCH and mu domain containing endocytic adaptor 1; plus strand). Cytogenetic location: 19p13.11.
Variant type: single nucleotide variant.
Coding change: c.1745G>C on transcript NM_015122.3 (MANE Select); coding-DNA position 1745, G replaced by C.
Protein change: p.Arg582Pro; replaces arginine 582 with proline.
Molecular consequence: missense variant. On other transcripts: non-coding transcript variant (36).
Genome position (GRCh38, 1-based): chr19:17,781,456, G>C. VCF-style: chr19-17781456-G-C. GRCh37 (hg19) VCF-style: chr19-17892265-G-C.
Other names: c.1745G>C, p.Arg582Pro (NM_001384391.1, NM_001161357.2, NM_001161358.2 and 13 more transcripts); c.1628G>C, p.Arg543Pro (NM_001384392.1, NM_001384393.1, NM_001384394.1 and 1 more transcripts); c.1469G>C, p.Arg490Pro (NM_001384396.1, NM_001384397.1, NM_001384398.1 and 5 more transcripts); c.1595G>C, p.Arg532Pro (NM_001161359.2, NM_001384384.1, NM_001384385.1 and 1 more transcripts); c.1706G>C, p.Arg569Pro (NM_001384388.1, NM_001384389.1, NM_001384405.1); c.1670G>C, p.Arg557Pro (NM_001384390.1); c.1424G>C, p.Arg475Pro (NM_001384403.1); c.1319G>C, p.Arg440Pro (NM_001384406.1); and 1 more; short protein forms R490P, R475P, R532P, R557P, R569P, R543P, R582P, R392P.
Identifiers: ClinVar variation 2094230 (VCV002094230.4), dbSNP rs774613898, ClinGen allele CA404754765.

ClinVar aggregate classification (germline): Uncertain significance (1 of 4 stars; one submission).

Submission:

Labcorp Genetics (formerly Invitae), Labcorp
Classification: Uncertain significance. Last evaluated: 2022-11-08. Review status: criteria provided, single submitter. Criteria: Invitae Variant Classification Sherloc (09022015). Collection method: clinical testing. Allele origin: germline.
Comment: In summary, the available evidence is currently insufficient to determine the role of this variant in disease. Therefore, it has been classified as a Variant of Uncertain Significance. Algorithms developed to predict the effect of missense changes on protein structure and function are either unavailable or do not agree on the potential impact of this missense change (SIFT: "Tolerated"; PolyPhen-2: "Probably Damaging"; Align-GVGD: "Class C0"). This variant has not been reported in the literature in individuals affected with FCHO1-related conditions. This variant is not present in population databases (gnomAD no frequency). This sequence change replaces arginine, which is basic and polar, with proline, which is neutral and non-polar, at codon 582 of the FCHO1 protein (p.Arg582Pro).